The following is an entry in ClinVar:

NM_033380.3(COL4A5):c.2200G>A (p.Gly734Ser)

Gene: COL4A5 (collagen type IV alpha 5 chain; plus strand). Cytogenetic location: Xq22.3.
Variant type: single nucleotide variant.
Coding change: c.2200G>A on transcript NM_033380.3 (MANE Select); coding-DNA position 2200, G replaced by A.
Protein change: p.Gly734Ser; replaces glycine 734 with serine.
Molecular consequence: missense variant.
Genome position (GRCh38, 1-based): chrX:108,603,017, G>A. VCF-style: chrX-108603017-G-A. GRCh37 (hg19) VCF-style: chrX-107846247-G-A.
Other names: c.2200G>A, p.Gly734Ser (NM_000495.5); c.2200G>A (NM_000495.4); short protein forms G734S.
Identifiers: ClinVar variation 1517632 (VCV001517632.10), dbSNP rs867265684, ClinGen allele CA334040354.

ClinVar aggregate classification (germline): Conflicting classifications of pathogenicity. Review status: criteria provided, conflicting classifications (1 of 4 stars). 4 submissions from 4 submitters: Likely pathogenic (3); Uncertain significance (1). Last evaluated 2025-10-27.

Conditions:
X-linked Alport syndrome (ATS1). Also called: COL4A5-Related Nephropathy; NEPHROPATHY AND DEAFNESS, X-LINKED. Identifiers: Orphanet 63, Orphanet 88917, MedGen C4746986, MONDO:0010520, OMIM 301050.

Submissions (4):

Labcorp Genetics (formerly Invitae), Labcorp
Classification: Likely pathogenic. Last evaluated: 2025-10-27. Review status: criteria provided, single submitter. Criteria: Invitae Variant Classification Sherloc (09022015). Collection method: clinical testing. Allele origin: germline.
Comment: This sequence change replaces glycine, which is neutral and non-polar, with serine, which is neutral and polar, at codon 734 of the COL4A5 protein (p.Gly734Ser). This variant is not present in population databases (gnomAD no frequency). This variant has not been reported in the literature in individuals affected with COL4A5-related conditions. ClinVar contains an entry for this variant (Variation ID: 1517632). Invitae Evidence Modeling of protein sequence and biophysical properties (such as structural, functional, and spatial information, amino acid conservation, physicochemical variation, residue mobility, and thermodynamic stability) indicates that this missense variant is expected to disrupt COL4A5 protein function with a positive predictive value of 95%. This variant disrupts the triple helix domain of COL4A5. Glycine residues within the Gly-Xaa-Yaa repeats of the triple helix domain are required for the structure and stability of fibrillar collagens (PMID: 7695699, 8218237, 19344236). In COL4A5, missense variants at these glycine residues are significantly enriched in individuals with disease (PMID: 23720012, 27627812) compared to the general population (ExAC). In summary, the currently available evidence indicates that the variant is pathogenic, but additional data are needed to prove that conclusively. Therefore, this variant has been classified as Likely Pathogenic.

Natera, Inc.
Classification: Likely pathogenic for X-linked Alport syndrome. Last evaluated: 2025-08-21. Review status: criteria provided, single submitter. Criteria: Natera Variant Classification Schema (03/2026). Collection method: clinical testing. Allele origin: germline.
Comment: The c.2200G>A variant in COL4A5 is a missense variant predicted to cause substitution of glycine to serine at amino acid 734. This variant is rare in the general population with a frequency below the threshold expected for the associated phenotype(s). This variant is located in a functionally critical region of the protein. Computational prediction algorithms indicate this variant is likely to affect gene or protein function. Given the available evidence, this variant is classified as Likely Pathogenic.

Women's Health and Genetics/Laboratory Corporation of America, LabCorp
Classification: Uncertain significance. Last evaluated: 2025-07-24. Review status: criteria provided, single submitter. Criteria: LabCorp Variant Classification Summary - May 2015. Collection method: clinical testing. Allele origin: germline.
Comment: Variant summary: COL4A5 c.2200G>A (p.Gly734Ser) results in a non-conservative amino acid change located within the triple-helical region (UniProt) of the encoded protein sequence. This missense variant disrupts a glycine residue at position 1 of a Gly-X-Y repeat in the collagenous domain of the collagen IV alpha 5 chain, however, the impact of this specific amino acid change does not allow definitive categorization (PMID: 33854215). Algorithms developed to predict the effect of missense changes on protein structure and function all suggest that this variant is likely to be disruptive. The variant was absent in 155754 control chromosomes (gnomAD). To our knowledge, no occurrence of c.2200G>A in individuals affected with Alport Syndrome 1, X-Linked Recessive and no experimental evidence demonstrating its impact on protein function have been reported. ClinVar contains an entry for this variant (Variation ID: 1517632). Based on the evidence outlined above, the variant was classified as uncertain significance.

Fulgent Genetics
Classification: Likely pathogenic for X-linked Alport syndrome. Last evaluated: 2024-06-16. Review status: criteria provided, single submitter. Criteria: ACMG Guidelines, 2015. Collection method: clinical testing. Allele origin: germline.

Literature cited by the submitters: PubMed 7695699 (cited by Labcorp Genetics (formerly Invitae), Labcorp); PubMed 8218237 (cited by Labcorp Genetics (formerly Invitae), Labcorp); PubMed 19344236 (cited by Labcorp Genetics (formerly Invitae), Labcorp); PubMed 23720012 (cited by Labcorp Genetics (formerly Invitae), Labcorp); PubMed 27627812 (cited by Labcorp Genetics (formerly Invitae), Labcorp).